The following is an entry in ClinVar:

ClinVar aggregate classification (germline): Uncertain significance (1 of 4 stars; one submission).

Conditions:
Hereditary cancer-predisposing syndrome. Also called: Neoplastic Syndromes, Hereditary; Tumor predisposition; Hereditary neoplastic syndrome; Hereditary Cancer Syndrome. Identifiers: Orphanet 140162, MedGen C0027672, MeSH D009386, MONDO:0015356.

Submission:

Ambry Genetics
Classification: Uncertain significance for Hereditary cancer-predisposing syndrome. Last evaluated: 2022-11-23. Review status: criteria provided, single submitter. Criteria: Ambry Variant Classification Scheme 2023. Collection method: clinical testing. Allele origin: germline.
Comment: The p.V66L variant (also known as c.196G>T), located in coding exon 1 of the STK11 gene, results from a G to T substitution at nucleotide position 196. The valine at codon 66 is replaced by leucine, an amino acid with highly similar properties. This amino acid position is conserved. In addition, the in silico prediction for this alteration is inconclusive. Since supporting evidence is limited at this time, the clinical significance of this alteration remains unclear.

NM_000455.5(STK11):c.196G>T (p.Val66Leu)

Gene: STK11 (serine/threonine kinase 11; plus strand). Cytogenetic location: 19p13.3.
Variant type: single nucleotide variant.
Coding change: c.196G>T on transcript NM_000455.5 (MANE Select); coding-DNA position 196, G replaced by T.
Protein change: p.Val66Leu; replaces valine 66 with leucine.
Molecular consequence: missense variant. On other transcripts: non-coding transcript variant (1).
Genome position (GRCh38, 1-based): chr19:1,207,109, G>T. VCF-style: chr19-1207109-G-T. GRCh37 (hg19) VCF-style: chr19-1207108-G-T.
Other names: c.196G>T, p.Val66Leu (NM_001407255.1); short protein forms V66L.
Identifiers: ClinVar variation 2451994 (VCV002451994.2), dbSNP rs1599915144, ClinGen allele CA402944280.